The following is an entry in ClinVar:

NM_000023.4(SGCA):c.1148T>A (p.Ile383Asn)

Gene: SGCA (sarcoglycan alpha; plus strand). Cytogenetic location: 17q21.33.
Variant type: single nucleotide variant.
Coding change: c.1148T>A on transcript NM_000023.4 (MANE Select); coding-DNA position 1148, T replaced by A.
Protein change: p.Ile383Asn; replaces isoleucine 383 with asparagine.
Molecular consequence: missense variant. On other transcripts: non-coding transcript variant (1).
Genome position (GRCh38, 1-based): chr17:50,175,421, T>A. VCF-style: chr17-50175421-T-A. GRCh37 (hg19) VCF-style: chr17-48252782-T-A.
Other names: c.776T>A, p.Ile259Asn (NM_001135697.3); short protein forms I259N, I383N.
Identifiers: ClinVar variation 1714709 (VCV001714709.6), dbSNP rs2509134010, ClinGen allele CA400184727.
Genomic context (GRCh38, chr17:50,175,421, plus strand): 5'-TCAATGTGCACACAGGTGAGCGGCTGCCTCCCCGCGTGGACAGCGCCCAGGTGCCCCTCA[T>A]TCTGGACCAGCACTGACAGCCTAGCCAGGTAGGTCTGGTGGGTGATGCCAGCCTTATTTC-3'
Protein context (NP_000014.1, residues 373-387): PRVDSAQVPL[Ile383Asn]LDQH

ClinVar aggregate classification (germline): Uncertain significance (1 of 4 stars; one submission).

Conditions:
Autosomal recessive limb-girdle muscular dystrophy type 2D (LGMDR3). Also called: ADHALINOPATHY, PRIMARY; MUSCULAR DYSTROPHY, LIMB-GIRDLE, AUTOSOMAL RECESSIVE 3; DUCHENNE-LIKE AUTOSOMAL RECESSIVE MUSCULAR DYSTROPHY, TYPE 2. Identifiers: Orphanet 62, MedGen C2936332, MONDO:0011968, OMIM 608099. Disease mechanism: Affects gamma-sarcoglycan and also disrupts the integrity of the entire sarcoglycan complex..

Submission:

Labcorp Genetics (formerly Invitae), Labcorp
Classification: Uncertain significance for Autosomal recessive limb-girdle muscular dystrophy type 2D. Last evaluated: 2022-08-01. Review status: criteria provided, single submitter. Criteria: Invitae Variant Classification Sherloc (09022015). Collection method: clinical testing. Allele origin: germline.
Comment: This sequence change replaces isoleucine, which is neutral and non-polar, with asparagine, which is neutral and polar, at codon 383 of the SGCA protein (p.Ile383Asn). In summary, the available evidence is currently insufficient to determine the role of this variant in disease. Therefore, it has been classified as a Variant of Uncertain Significance. Advanced modeling of protein sequence and biophysical properties (such as structural, functional, and spatial information, amino acid conservation, physicochemical variation, residue mobility, and thermodynamic stability) performed at Invitae indicates that this missense variant is expected to disrupt SGCA protein function. This variant has not been reported in the literature in individuals affected with SGCA-related conditions. This variant is not present in population databases (gnomAD no frequency).